The following is an entry in ClinVar:

NM_000302.4(PLOD1):c.1902+13G>A

Gene: PLOD1 (procollagen-lysine,2-oxoglutarate 5-dioxygenase 1; plus strand). Cytogenetic location: 1p36.22.
Variant type: single nucleotide variant.
Coding change: c.1902+13G>A on transcript NM_000302.4 (MANE Select); 13 bases into the intron after coding-DNA position 1902, G replaced by A.
Molecular consequence: intron variant.
Genome position (GRCh38, 1-based): chr1:11,970,829, G>A. VCF-style: chr1-11970829-G-A. GRCh37 (hg19) VCF-style: chr1-12030886-G-A.
Other names: c.2043+13G>A (NM_001316320.2).
Identifiers: ClinVar variation 392329 (VCV000392329.13), dbSNP rs199765551, ClinGen allele CA598601.
Genomic context (GRCh38, chr1:11,970,829, plus strand): 5'-TACATTGCGCCCATGACGGAGAAGCTCTACCCCGGCTACTACACCAGGGTGGGCAAGCCT[G>A]GGGCATAGCCAGGATGCGGGGACAGTTGGGTGGGGTGTCAGTGGAGTGGCTGGGACTGGT-3'

ClinVar aggregate classification (germline): Benign/Likely benign. Review status: criteria provided, multiple submitters, no conflicts (2 of 4 stars). 3 submissions from 3 submitters: Benign (1); Likely benign (2). Last evaluated 2026-02-02.

Conditions:
Ehlers-Danlos syndrome, kyphoscoliotic type 1 (EDSKSCL1). Also called: Ehlers-Danlos syndrome, hydroxylysine-deficient; EHLERS-DANLOS SYNDROME, OCULAR-SCOLIOTIC TYPE; EHLERS-DANLOS SYNDROME, TYPE VIA; PLOD1-Related Kyphoscoliotic Ehlers-Danlos Syndrome. Identifiers: Orphanet 1900, MedGen C0268342, MONDO:0016002, OMIM 225400. Disease mechanism: loss of function.

Allele frequency attached by ClinVar (database versions not stated): gnomAD exomes 0.00029 and 0.00075; ExAC 0.00099; gnomAD 0.00239 and 0.00259; 1000 Genomes Project 0.00260; 1000 Genomes Project 30x 0.00312; TOPMed 0.00320; ESP Exome Variant Server 0.00331.

Submissions (3):

Labcorp Genetics (formerly Invitae), Labcorp
Classification: Benign for Ehlers-Danlos syndrome, kyphoscoliotic type 1. Last evaluated: 2026-02-02. Review status: criteria provided, single submitter. Criteria: Invitae Variant Classification Sherloc (09022015). Collection method: clinical testing. Allele origin: germline.

Women's Health and Genetics/Laboratory Corporation of America, LabCorp
Classification: Likely benign. Last evaluated: 2024-06-04. Review status: criteria provided, single submitter. Criteria: LabCorp Variant Classification Summary - May 2015. Collection method: clinical testing. Allele origin: germline.

GeneDx
Classification: Likely benign. Last evaluated: 2017-10-20. Review status: criteria provided, single submitter. Criteria: GeneDx Variant Classification (06012015). Collection method: clinical testing. Allele origin: germline. Affected: yes.
Comment: This variant is considered likely benign or benign based on one or more of the following criteria: it is a conservative change, it occurs at a poorly conserved position in the protein, it is predicted to be benign by multiple in silico algorithms, and/or has population frequency not consistent with disease.